The following is an entry in ClinVar:

ClinVar aggregate classification (germline): Uncertain significance (1 of 4 stars; one submission).

Conditions:
Tuberous sclerosis 1 (TSC1). Identifiers: Orphanet 805, MedGen C1854465, MONDO:0008612, OMIM 191100.

Submission:

Labcorp Genetics (formerly Invitae), Labcorp
Classification: Uncertain significance for Tuberous sclerosis 1. Last evaluated: 2024-11-27. Review status: criteria provided, single submitter. Criteria: Invitae Variant Classification Sherloc (09022015). Collection method: clinical testing. Allele origin: germline.
Comment: This sequence change replaces cysteine, which is neutral and slightly polar, with serine, which is neutral and polar, at codon 995 of the TSC1 protein (p.Cys995Ser). This variant is not present in population databases (gnomAD no frequency). This variant has not been reported in the literature in individuals affected with TSC1-related conditions. Invitae Evidence Modeling of protein sequence and biophysical properties (such as structural, functional, and spatial information, amino acid conservation, physicochemical variation, residue mobility, and thermodynamic stability) indicates that this missense variant is not expected to disrupt TSC1 protein function with a negative predictive value of 95%. In summary, the available evidence is currently insufficient to determine the role of this variant in disease. Therefore, it has been classified as a Variant of Uncertain Significance.

NM_000368.5(TSC1):c.2983T>A (p.Cys995Ser)

Gene: TSC1 (TSC complex subunit 1; minus strand). Cytogenetic location: 9q34.13.
Variant type: single nucleotide variant.
Coding change: c.2983T>A on transcript NM_000368.5 (MANE Select); coding-DNA position 2983, T replaced by A.
Protein change: p.Cys995Ser; replaces cysteine 995 with serine.
Molecular consequence: missense variant. On other transcripts: non-coding transcript variant (5).
Genome position (GRCh38, 1-based): chr9:132,896,747, A>T on the plus strand (T>A on the coding strand, the complement: TSC1 is on the minus strand). VCF-style: chr9-132896747-A-T. GRCh37 (hg19) VCF-style: chr9-135772134-A-T.
Other names: c.2941T>A, p.Cys981Ser (NM_001406605.1, NM_001406606.1, NM_001406607.1); c.2938T>A, p.Cys980Ser (NM_001406608.1, NM_001406609.1); c.2830T>A, p.Cys944Ser (NM_001406610.1, NM_001162427.2); c.2827T>A, p.Cys943Ser (NM_001406611.1, NM_001406612.1); c.2785T>A, p.Cys929Ser (NM_001406613.1); c.2620T>A, p.Cys874Ser (NM_001406614.1, NM_001406615.1, NM_001406616.1 and 4 more transcripts); c.2578T>A, p.Cys860Ser (NM_001406624.1); c.2575T>A, p.Cys859Ser (NM_001406625.1); and 8 more; short protein forms C981S, C677S, C678S, C929S, C644S, C859S, C860S, C943S.
Identifiers: ClinVar variation 3720836 (VCV003720836.2).